The following is an entry in ClinVar:

ClinVar aggregate classification (germline): Uncertain significance (1 of 4 stars; one submission).

Submission:

GeneDx
Classification: Uncertain significance. Last evaluated: 2026-03-10. Review status: criteria provided, single submitter. Criteria: GeneDx Variant Classification Process June 2021. Collection method: clinical testing. Allele origin: germline.
Comment: Not observed at significant frequency in large population cohorts (gnomAD); Has not been previously published as pathogenic or benign to our knowledge

NM_000276.4(OCRL):c.1883A>T (p.Glu628Val)

Gene: OCRL (OCRL inositol polyphosphate-5-phosphatase; plus strand). Cytogenetic location: Xq26.1.
Variant type: single nucleotide variant.
Coding change: c.1883A>T on transcript NM_000276.4 (MANE Select); coding-DNA position 1883, A replaced by T.
Protein change: p.Glu628Val; replaces glutamic acid 628 with valine.
Molecular consequence: missense variant.
Genome position (GRCh38, 1-based): chrX:129,576,320, A>T. VCF-style: chrX-129576320-A-T. GRCh37 (hg19) VCF-style: chrX-128710297-A-T.
Other names: c.1886A>T, p.Glu629Val (NM_001318784.2); c.1883A>T, p.Glu628Val (NM_001587.4); short protein forms E628V, E629V.
Identifiers: ClinVar variation 5008791 (VCV005008791.1).